The following is an entry in ClinVar:

ClinVar aggregate classification (germline): Likely benign (1 of 4 stars; one submission).

gnomAD v4.1: 1 of 1,614,142 alleles (0.000062%); highest among the groups gnomAD compares: Non-Finnish European, 0.000085%; no homozygotes.

Submission:

CeGaT Center for Human Genetics Tuebingen
Classification: Likely benign. Last evaluated: 2026-06-01. Review status: criteria provided, single submitter. Criteria: CeGaT Center For Human Genetics Tuebingen Variant Classification Criteria Version 2. Collection method: clinical testing. Allele origin: germline. Affected: yes. Observed: 1 variant allele.
Comment: MTOR: BP4, BP7

NM_004958.4(MTOR):c.7431A>G (p.Glu2477=)

Gene: MTOR (mechanistic target of rapamycin kinase; minus strand). Cytogenetic location: 1p36.22.
Variant type: single nucleotide variant.
Coding change: c.7431A>G on transcript NM_004958.4 (MANE Select); coding-DNA position 7431, A replaced by G.
Protein change: p.Glu2477=; no amino-acid change (glutamic acid 2477 retained).
Molecular consequence: synonymous variant.
Genome position (GRCh38, 1-based): chr1:11,109,665, T>C on the plus strand (A>G on the coding strand, the complement: MTOR is on the minus strand). VCF-style: chr1-11109665-T-C. GRCh37 (hg19) VCF-style: chr1-11169722-T-C.
Other names: c.7431A>G, p.Glu2477= (NM_001386500.1); c.6183A>G, p.Glu2061= (NM_001386501.1).
Identifiers: ClinVar variation 4874337 (VCV004874337.2).